The following is an entry in ClinVar:

ClinVar aggregate classification (germline): Uncertain significance (1 of 4 stars; one submission).

Allele frequency attached by ClinVar (database versions not stated): gnomAD exomes below 0.00001.
gnomAD v4.1: 1 of 1,613,768 alleles (0.000062%); highest among the groups gnomAD compares: Non-Finnish European, 0.000085%; no homozygotes.

Submission:

Labcorp Genetics (formerly Invitae), Labcorp
Classification: Uncertain significance. Last evaluated: 2022-06-16. Review status: criteria provided, single submitter. Criteria: Invitae Variant Classification Sherloc (09022015). Collection method: clinical testing. Allele origin: germline.
Comment: In summary, the available evidence is currently insufficient to determine the role of this variant in disease. Therefore, it has been classified as a Variant of Uncertain Significance. This sequence change replaces glycine, which is neutral and non-polar, with serine, which is neutral and polar, at codon 1447 of the COL11A2 protein (p.Gly1447Ser). This variant is not present in population databases (gnomAD no frequency). This variant has not been reported in the literature in individuals affected with COL11A2-related conditions. Algorithms developed to predict the effect of missense changes on protein structure and function are either unavailable or do not agree on the potential impact of this missense change (SIFT: "Deleterious"; PolyPhen-2: "Not Available"; Align-GVGD: "Class C0").

NM_080680.3(COL11A2):c.4339G>A (p.Gly1447Ser)

Gene: COL11A2 (collagen type XI alpha 2 chain; minus strand). Cytogenetic location: 6p21.32.
Variant type: single nucleotide variant.
Coding change: c.4339G>A on transcript NM_080680.3 (MANE Select); coding-DNA position 4339, G replaced by A.
Protein change: p.Gly1447Ser; replaces glycine 1447 with serine.
Molecular consequence: missense variant.
Genome position (GRCh38, 1-based): chr6:33,166,566, C>T on the plus strand (G>A on the coding strand, the complement: COL11A2 is on the minus strand). VCF-style: chr6-33166566-C-T. GRCh37 (hg19) VCF-style: chr6-33134343-C-T.
Other names: c.4018G>A, p.Gly1340Ser (NM_080679.3); c.4081G>A, p.Gly1361Ser (NM_080681.3); short protein forms G1447S, G1361S, G1340S.
Identifiers: ClinVar variation 1896110 (VCV001896110.5), dbSNP rs2534517149, ClinGen allele CA363620305.